The following is an entry in ClinVar:

NM_020338.4(ZMIZ1):c.1084G>A (p.Gly362Ser)

Gene: ZMIZ1 (zinc finger MIZ-type containing 1; plus strand). Cytogenetic location: 10q22.3.
Variant type: single nucleotide variant.
Coding change: c.1084G>A on transcript NM_020338.4 (MANE Select); coding-DNA position 1084, G replaced by A.
Protein change: p.Gly362Ser; replaces glycine 362 with serine.
Molecular consequence: missense variant.
Genome position (GRCh38, 1-based): chr10:79,293,507, G>A. VCF-style: chr10-79293507-G-A. GRCh37 (hg19) VCF-style: chr10-81053264-G-A.
Other names: short protein forms G362S.
Identifiers: ClinVar variation 4989983 (VCV004989983.1).

ClinVar aggregate classification (germline): Likely benign (1 of 4 stars; one submission).

Conditions:
ZMIZ1-related disorder. Also called: ZMIZ1-related condition.

gnomAD v4.1: 37 of 1,596,868 alleles (0.0023%); highest among the groups gnomAD compares: Middle Eastern, 0.017%; no homozygotes.

Submission:

PreventionGenetics, part of Exact Sciences
Classification: Likely benign for ZMIZ1-related condition. Last evaluated: 2025-12-09. Review status: criteria provided, single submitter. Criteria: ACMG Guidelines, 2015. Collection method: clinical testing. Allele origin: germline.
Comment: This variant is classified as likely benign based on ACMG/AMP sequence variant interpretation guidelines (Richards et al. 2015 PMID: 25741868, with internal and published modifications).